The following is an entry in ClinVar:

NM_000202.8(IDS):c.1411_1412del (p.Asp471fs)

Gene: IDS (iduronate 2-sulfatase; minus strand). Cytogenetic location: Xq28.
Variant type: Deletion.
Coding change: c.1411_1412del on transcript NM_000202.8 (MANE Select); coding-DNA positions 1411 to 1412, 2 bases deleted (GA; older notation c.1411_1412delGA).
Protein change: p.Asp471fs; shifts the reading frame from aspartic acid 471.
Molecular consequence: frameshift variant.
Genome position (GRCh38, 1-based): chrX:149,482,987-149,482,988, TC deleted on the plus strand (GA on the coding strand, the reverse complement: IDS is on the minus strand); deleting any 2 consecutive bases within chrX:149,482,987-149,482,989 gives the same sequence; the c. name uses the placement nearest the transcript's 3' end. VCF-style (leftmost placement, unchanged base first): chrX-149482986-GTC-G. GRCh37 (hg19) VCF-style: chrX-148564517-GTC-G.
Other names: c.1141_1142del, p.Asp381fs (NM_001166550.4); short protein forms D381fs, D471fs.
Identifiers: ClinVar variation 3256050 (VCV003256050.2).
Genomic context (GRCh38, chrX:149,482,986, plus strand): 5'-GGAATAGCCCATGATCTTTATATCTTTTAAACTCGGCTTGTCAGAATTCCACTGAGGGAT[GTC>G]TGAAGGCCGGGGATACTGGCTATAGGCAATCAGTTCACGGGGATTACCAGGGAGGTACGG-3'

ClinVar aggregate classification (germline): Pathogenic (1 of 4 stars; one submission).

Conditions:
Mucopolysaccharidosis, MPS-II (MPS2). Also called: Hunter Syndrome; IDURONATE 2-SULFATASE DEFICIENCY; Mucopolysaccharidosis Type II; Mucopolysaccharidosis type 2; Attenuated MPS (subtype; formerly known as mild MPS II); Severe MPS II. Identifiers: Orphanet 580, Orphanet 79388, MedGen C0026705, MONDO:0010674, OMIM 309900.

Submission:

Laboratory of Diagnosis and Therapy of Lysosomal Disorders, University of Padova
Classification: Pathogenic for Mucopolysaccharidosis, MPS-II. Last evaluated: 2024-06-07. Review status: criteria provided, single submitter. Criteria: ACMG Guidelines, 2015. Collection method: literature only. Allele origin: germline. Affected: yes. Observed: 1 variant allele.
Comment: Null variant (PVS1_Strong), Absent from controls (or at low frequency) in gnomAD database (PM2_Moderate), Patient’s phenotype or family history highly specific for the disease (PP4_Strong)

Classification method: ACMG Guidelines [PMID:25741868] with modifications

Literature cited by the submitters: PubMed 22976768.